The following is an entry in ClinVar:

ClinVar aggregate classification (germline): Uncertain significance (1 of 4 stars; one submission).

Conditions:
Eichsfeld type congenital muscular dystrophy (CMYO3). Also called: MYOPATHY, SEPN1-RELATED; Rigid spine muscular dystrophy 1; SELENON-related myopathy; Congenital myopathy 3 with rigid spine. Identifiers: MedGen C0410180, MONDO:0100100, OMIM 602771.

Submission:

Labcorp Genetics (formerly Invitae), Labcorp
Classification: Uncertain significance for Eichsfeld type congenital muscular dystrophy. Last evaluated: 2025-10-10. Review status: criteria provided, single submitter. Criteria: Invitae Variant Classification Sherloc (09022015). Collection method: clinical testing. Allele origin: germline.
Comment: This sequence change replaces proline, which is neutral and non-polar, with leucine, which is neutral and non-polar, at codon 363 of the SELENON protein (p.Pro363Leu). This variant is not present in population databases (gnomAD no frequency). This variant has not been reported in the literature in individuals affected with SELENON-related conditions. An algorithm developed to predict the effect of missense changes on protein structure and function (PolyPhen-2) suggests that this variant is likely to be disruptive. In summary, the available evidence is currently insufficient to determine the role of this variant in disease. Therefore, it has been classified as a Variant of Uncertain Significance.

NM_206926.2(SELENON):c.986C>T (p.Pro329Leu)

Gene: SELENON (selenoprotein N; plus strand). Cytogenetic location: 1p36.11.
Variant type: single nucleotide variant.
Coding change: c.986C>T on transcript NM_206926.2 (MANE Select); coding-DNA position 986, C replaced by T.
Protein change: p.Pro329Leu; replaces proline 329 with leucine.
Molecular consequence: missense variant.
Genome position (GRCh38, 1-based): chr1:25,811,531, C>T. VCF-style: chr1-25811531-C-T. GRCh37 (hg19) VCF-style: chr1-26138022-C-T.
Other names: c.1088C>T, p.Pro363Leu (NM_020451.3); short protein forms P329L, P363L.
Identifiers: ClinVar variation 4807263 (VCV004807263.1).